The following is an entry in ClinVar:

ClinVar aggregate classification (germline): Benign (3 of 4 stars; one submission).

Conditions:
Breast-ovarian cancer, familial, susceptibility to, 2 (BROVCA2). Also called: BRCA2 Hereditary Breast and Ovarian Cancer. Identifiers: Orphanet 145, MedGen C2675520, MONDO:0012933, OMIM 612555. Disease mechanism: loss of function.

Allele frequency attached by ClinVar (database versions not stated): gnomAD 0.00183 and 0.00192; TOPMed 0.00223; 1000 Genomes Project 30x 0.00328; 1000 Genomes Project 0.00359.
gnomAD v4.1: 272 of 150,754 alleles (0.18%); highest among the groups gnomAD compares: African/African-American, 0.64%; 1 homozygote.

Submission:

Evidence-based Network for the Interpretation of Germline Mutant Alleles (ENIGMA)
Classification: Benign for Breast-ovarian cancer, familial, susceptibility to, 2. Last evaluated: 2016-09-28. Review status: reviewed by expert panel. Criteria: ENIGMA BRCA1/2 Classification Criteria (2015). Collection method: curation. Allele origin: germline.
Comment: Class 1 not pathogenic based on frequency >1% in an outbred sampleset. Frequency 0.0136 (African), derived from 1000 genomes (2013-05-02).

NM_000059.4(BRCA2):c.1909+1200T>C

Gene: BRCA2 (BRCA2 DNA repair associated; plus strand). Cytogenetic location: 13q13.1.
Variant type: single nucleotide variant.
Coding change: c.1909+1200T>C on transcript NM_000059.4 (MANE Select); 1200 bases into the intron after coding-DNA position 1909, T replaced by C.
Molecular consequence: intron variant.
Genome position (GRCh38, 1-based): chr13:32,334,587, T>C. VCF-style: chr13-32334587-T-C. GRCh37 (hg19) VCF-style: chr13-32908724-T-C.
Identifiers: ClinVar variation 264924 (VCV000264924.1), dbSNP rs190338696, ClinGen allele CA10588091.